The following is an entry in ClinVar:

NM_007294.4(BRCA1):c.81-10A>C

Gene: BRCA1 (BRCA1 DNA repair associated; minus strand). Cytogenetic location: 17q21.31.
Variant type: single nucleotide variant.
Coding change: c.81-10A>C on transcript NM_007294.4 (MANE Select); 10 bases into the intron before coding-DNA position 81, A replaced by C.
Molecular consequence: intron variant.
Genome position (GRCh38, 1-based): chr17:43,115,789, T>G on the plus strand (A>C on the coding strand, the complement: BRCA1 is on the minus strand). VCF-style: chr17-43115789-T-G. GRCh37 (hg19) VCF-style: chr17-41267806-T-G.
Other names: c.-61-10A>C (NM_001408458.1, NM_001408470.1, NM_001407848.1 and 47 more transcripts); c.-219+9488A>C (NM_001407967.1); c.-170+9488A>C (NM_001407959.1); c.-7-9256A>C (NM_001407931.1, NM_001407747.1, NM_001408511.1 and 2 more transcripts); c.-223-10A>C (NM_001407962.1, NM_001408512.1, NM_001408510.1 and 1 more transcripts); c.-108-10A>C (NM_001407885.1, NM_001407886.1, NM_001408509.1 and 52 more transcripts); c.-177-10A>C (NM_001407746.1, NM_001408468.1, NM_001407842.1 and 13 more transcripts); c.-8+8228A>C (NM_001408461.1, NM_001407738.1, NM_001407932.1 and 23 more transcripts); and 10 more.
Identifiers: ClinVar variation 867453 (VCV000867453.6), dbSNP rs548497799, ClinGen allele CA059720.

ClinVar aggregate classification (germline): Likely benign. Review status: criteria provided, multiple submitters, no conflicts (2 of 4 stars). 2 submissions from 2 submitters: Likely benign (2). Last evaluated 2024-10-23.

Conditions:
Hereditary breast ovarian cancer syndrome. Also called: Hereditary breast and/or ovarian cancer syndrome; BRCA1- and BRCA2-Associated Hereditary Breast and Ovarian Cancer; Hereditary breast and ovarian cancer syndrome; Hereditary breast and ovarian cancer; Hereditary breast and ovarian cancer syndrome (HBOC); Breast and ovarian cancer. Identifiers: Orphanet 145, MedGen C0677776, MeSH D061325, MONDO:0003582. Disease mechanism: loss of function.
Hereditary cancer-predisposing syndrome. Also called: Tumor predisposition; Hereditary Cancer Syndrome; Hereditary neoplastic syndrome; Neoplastic Syndromes, Hereditary. Identifiers: Orphanet 140162, MedGen C0027672, MeSH D009386, MONDO:0015356.

Allele frequency attached by ClinVar (database versions not stated): gnomAD 0.00001; gnomAD exomes 0.00001; ExAC 0.00002; 1000 Genomes Project 30x 0.00031; 1000 Genomes Project 0.00040.
gnomAD v4.1: 3 of 1,611,464 alleles (0.00019%); highest among the groups gnomAD compares: South Asian, 0.0033%; no homozygotes.

Submissions (3):

Labcorp Genetics (formerly Invitae), Labcorp
Classification: Likely benign for Hereditary breast ovarian cancer syndrome. Last evaluated: 2024-10-23. Review status: criteria provided, single submitter. Criteria: Invitae Variant Classification Sherloc (09022015). Collection method: clinical testing. Allele origin: germline.

Color Diagnostics, LLC DBA Color Health
Classification: Likely benign for Hereditary cancer-predisposing syndrome. Last evaluated: 2024-06-18. Review status: criteria provided, single submitter. Criteria: ACMG Guidelines, 2015. Collection method: clinical testing. Allele origin: germline.

Brotman Baty Institute, University of Washington
No classification provided (evidence only). Condition: Breast-ovarian cancer, familial 1. Review status: no classification provided. Collection method: in vitro. Allele origin: not applicable. Functional consequence: functionally_normal. Not counted in ClinVar's aggregate classification.
ClinVar note: "not provided" was previously submitted as the classification for the variant. However, the classification appeared to be based only on an observation of functional data so it was converted to no classification on 2025-07-30.